The following is an entry in ClinVar:

NM_018451.5(CPAP):c.2635_2636del (p.Ser879fs)

Gene: CPAP (centrosome assembly and centriole elongation protein; minus strand). Cytogenetic location: 13q12.13.
Variant type: Deletion.
Coding change: c.2635_2636del on transcript NM_018451.5 (MANE Select); coding-DNA positions 2635 to 2636, 2 bases deleted (TC; older notation c.2635_2636delTC).
Protein change: p.Ser879fs; shifts the reading frame from serine 879.
Molecular consequence: frameshift variant. On other transcripts: non-coding transcript variant (2).
Genome position (GRCh38, 1-based): chr13:24,905,402-24,905,403, GA deleted on the plus strand (TC on the coding strand, the reverse complement: CPAP is on the minus strand). VCF-style (leftmost placement, unchanged base first): chr13-24905401-TGA-T. GRCh37 (hg19) VCF-style: chr13-25479539-TGA-T.
Other names: short protein forms S879fs.
Identifiers: ClinVar variation 4706453 (VCV004706453.1).

ClinVar aggregate classification (germline): Pathogenic (1 of 4 stars; one submission).

Submission:

Labcorp Genetics (formerly Invitae), Labcorp
Classification: Pathogenic. Last evaluated: 2025-04-24. Review status: criteria provided, single submitter. Criteria: Invitae Variant Classification Sherloc (09022015). Collection method: clinical testing. Allele origin: germline.
Comment: This sequence change creates a premature translational stop signal (p.Ser879Argfs*7) in the CENPJ gene. It is expected to result in an absent or disrupted protein product. Loss-of-function variants in CENPJ are known to be pathogenic (PMID: 15793586, 16900296, 20522431). This variant is present in population databases (no rsID available, gnomAD 0.01%). This variant has not been reported in the literature in individuals affected with CENPJ-related conditions. For these reasons, this variant has been classified as Pathogenic.

Literature cited by the submitters: PubMed 15793586; PubMed 16900296; PubMed 20522431.